The following is an entry in ClinVar:

ClinVar aggregate classification (germline): Uncertain significance (1 of 4 stars; one submission).

Conditions:
Cataract 6 multiple types. Also called: CATARACT, AGE-RELATED CORTICAL, 2; CATARACT 6, POSTERIOR POLAR; CATARACT 6, CONGENITAL TOTAL. Identifiers: Orphanet 91492, MedGen C1861825, MONDO:0007288, OMIM 116600.

gnomAD v4.1: 11 of 1,614,018 alleles (0.00068%); highest among the groups gnomAD compares: African/African-American, 0.004%; no homozygotes.

Submission:

Labcorp Genetics (formerly Invitae), Labcorp
Classification: Uncertain significance for Cataract 6 multiple types. Last evaluated: 2024-05-07. Review status: criteria provided, single submitter. Criteria: Invitae Variant Classification Sherloc (09022015). Collection method: clinical testing. Allele origin: germline.
Comment: This sequence change replaces arginine, which is basic and polar, with cysteine, which is neutral and slightly polar, at codon 82 of the EPHA2 protein (p.Arg82Cys). This variant is present in population databases (rs190330372, gnomAD 0.004%). This variant has not been reported in the literature in individuals affected with EPHA2-related conditions. Advanced modeling of protein sequence and biophysical properties (such as structural, functional, and spatial information, amino acid conservation, physicochemical variation, residue mobility, and thermodynamic stability) performed at Invitae indicates that this missense variant is not expected to disrupt EPHA2 protein function with a negative predictive value of 80%. In summary, the available evidence is currently insufficient to determine the role of this variant in disease. Therefore, it has been classified as a Variant of Uncertain Significance.

NM_004431.5(EPHA2):c.244C>T (p.Arg82Cys)

Gene: EPHA2 (EPH receptor A2; minus strand). Cytogenetic location: 1p36.13.
Variant type: single nucleotide variant.
Coding change: c.244C>T on transcript NM_004431.5 (MANE Select); coding-DNA position 244, C replaced by T.
Protein change: p.Arg82Cys; replaces arginine 82 with cysteine.
Molecular consequence: missense variant.
Genome position (GRCh38, 1-based): chr1:16,148,957, G>A on the plus strand (C>T on the coding strand, the complement: EPHA2 is on the minus strand). VCF-style: chr1-16148957-G-A. GRCh37 (hg19) VCF-style: chr1-16475452-G-A.
Other names: c.82C>T, p.Arg28Cys (NM_001329090.2); short protein forms R28C, R82C.
Identifiers: ClinVar variation 3621929 (VCV003621929.2).